The following is an entry in ClinVar:

NM_000038.6(APC):c.6537A>C (p.Lys2179Asn)

Gene: APC (APC regulator of Wnt signaling pathway; plus strand). Cytogenetic location: 5q22.2.
Variant type: single nucleotide variant.
Coding change: c.6537A>C on transcript NM_000038.6 (MANE Select); coding-DNA position 6537, A replaced by C.
Protein change: p.Lys2179Asn; replaces lysine 2179 with asparagine.
Molecular consequence: missense variant.
Genome position (GRCh38, 1-based): chr5:112,842,131, A>C. VCF-style: chr5-112842131-A-C. GRCh37 (hg19) VCF-style: chr5-112177828-A-C.
Other names: c.6537A>C, p.Lys2179Asn (NM_001127510.3, NM_001354895.2, NM_001407450.1); c.6483A>C, p.Lys2161Asn (NM_001127511.3); c.6591A>C, p.Lys2197Asn (NM_001354896.2, NM_001407447.1, NM_001407448.1 and 1 more transcripts); c.6567A>C, p.Lys2189Asn (NM_001354897.2); c.6462A>C, p.Lys2154Asn (NM_001354898.2); c.6453A>C, p.Lys2151Asn (NM_001354899.2); c.6414A>C, p.Lys2138Asn (NM_001354900.2); c.6360A>C, p.Lys2120Asn (NM_001354901.2, NM_001407453.1); and 12 more; short protein forms K1795N, K1896N, K2019N, K2050N, K2053N, K2078N, K2088N, K2096N.
Identifiers: ClinVar variation 1718617 (VCV001718617.7), dbSNP rs775795102, ClinGen allele CA16035631.

ClinVar aggregate classification (germline): Uncertain significance. Review status: criteria provided, multiple submitters, no conflicts (2 of 4 stars). 2 submissions from 2 submitters: Uncertain significance (2). Last evaluated 2026-05-08.

Conditions:
Hereditary cancer-predisposing syndrome. Also called: Hereditary Cancer Syndrome; Neoplastic Syndromes, Hereditary; Hereditary neoplastic syndrome; Tumor predisposition. Identifiers: Orphanet 140162, MedGen C0027672, MeSH D009386, MONDO:0015356.
Familial adenomatous polyposis 1 (FAP1). Also called: FAMILIAL ADENOMATOUS POLYPOSIS 1, ATTENUATED; POLYPOSIS, ADENOMATOUS INTESTINAL. Identifiers: MedGen C2713442, MONDO:0021056, OMIM 175100. Disease mechanism: loss of function.

gnomAD v4.1: 2 of 1,611,558 alleles (0.00012%); highest among the groups gnomAD compares: Non-Finnish European, 0.00017%; no homozygotes.

Submissions (2):

Ambry Genetics
Classification: Uncertain significance for Hereditary cancer-predisposing syndrome. Last evaluated: 2026-05-08. Review status: criteria provided, single submitter. Criteria: Ambry Variant Classification Scheme 2023. Collection method: clinical testing. Allele origin: germline.
Comment: The p.K2179N variant (also known as c.6537A>C), located in coding exon 15 of the APC gene, results from an A to C substitution at nucleotide position 6537. The lysine at codon 2179 is replaced by asparagine, an amino acid with similar properties. This amino acid position is highly conserved in available vertebrate species. In addition, in silico predictors for this gene do not accurately predict pathogenicity. Missense variants in APC are not a common cause of disease (Spier I et al. Genet Med. 2024 Feb;26(2):100992). Based on the available evidence, the clinical significance of this variant remains unclear.

Labcorp Genetics (formerly Invitae), Labcorp
Classification: Uncertain significance for Familial adenomatous polyposis 1. Last evaluated: 2022-09-01. Review status: criteria provided, single submitter. Criteria: Invitae Variant Classification Sherloc (09022015). Collection method: clinical testing. Allele origin: germline.
Comment: This variant is not present in population databases (gnomAD no frequency). In summary, the available evidence is currently insufficient to determine the role of this variant in disease. Therefore, it has been classified as a Variant of Uncertain Significance. Algorithms developed to predict the effect of missense changes on protein structure and function (SIFT, PolyPhen-2, Align-GVGD) all suggest that this variant is likely to be disruptive. This variant has not been reported in the literature in individuals affected with APC-related conditions. This sequence change replaces lysine, which is basic and polar, with asparagine, which is neutral and polar, at codon 2179 of the APC protein (p.Lys2179Asn).